The following is an entry in ClinVar:

ClinVar aggregate classification (germline): Uncertain significance (1 of 4 stars; one submission).

Allele frequency attached by ClinVar (database versions not stated): TOPMed below 0.00001; gnomAD 0.00001.
gnomAD v4.1: 2 of 1,614,112 alleles (0.00012%); highest among the groups gnomAD compares: Admixed American, 0.0017%; no homozygotes.

Submission:

Labcorp Genetics (formerly Invitae), Labcorp
Classification: Uncertain significance. Last evaluated: 2025-09-09. Review status: criteria provided, single submitter. Criteria: Invitae Variant Classification Sherloc (09022015). Collection method: clinical testing. Allele origin: germline.
Comment: This sequence change replaces proline, which is neutral and non-polar, with alanine, which is neutral and non-polar, at codon 458 of the COL9A3 protein (p.Pro458Ala). This variant is not present in population databases (gnomAD no frequency). This variant has not been reported in the literature in individuals affected with COL9A3-related conditions. ClinVar contains an entry for this variant (Variation ID: 1985741). Invitae Evidence Modeling of protein sequence and biophysical properties (such as structural, functional, and spatial information, amino acid conservation, physicochemical variation, residue mobility, and thermodynamic stability) indicates that this missense variant is not expected to disrupt COL9A3 protein function with a negative predictive value of 95%. In summary, the available evidence is currently insufficient to determine the role of this variant in disease. Therefore, it has been classified as a Variant of Uncertain Significance.

NM_001853.4(COL9A3):c.1372C>G (p.Pro458Ala)

Genes: COL9A3 (collagen type IX alpha 3 chain; plus strand), LOC126863084 (MED14-independent group 3 enhancer GRCh37_chr20:61467141-61468340; plus strand). Cytogenetic location: 20q13.33.
Variant type: single nucleotide variant.
Coding change: c.1372C>G on transcript NM_001853.4 (MANE Select); coding-DNA position 1372, C replaced by G.
Protein change: p.Pro458Ala; replaces proline 458 with alanine.
Molecular consequence: missense variant.
Genome position (GRCh38, 1-based): chr20:62,835,924, C>G. VCF-style: chr20-62835924-C-G. GRCh37 (hg19) VCF-style: chr20-61467276-C-G.
Other names: short protein forms P458A.
Identifiers: ClinVar variation 1985741 (VCV001985741.4), dbSNP rs2063631201, ClinGen allele CA409596719.
Genomic context (GRCh38, chr20:62,835,924, plus strand): 5'-ACTTCCCACCCACCCAACAATACACTTAGTTCAAACACACAACTTTTCTCTTCACAGGGT[C>G]CCAGCGGCCTGGTCGGACCCAAAGGAGAGGTGAGTGCCCGGCGACTGTTCCGATGACACC-3'
Protein context (NP_001844.3, residues 448-468): GLPGDKGELG[Pro458Ala]SGLVGPKGES